The following is an entry in ClinVar:

NM_031310.3(PLVAP):c.988C>T (p.Gln330Ter)

Gene: PLVAP (plasmalemma vesicle associated protein; minus strand). Cytogenetic location: 19p13.11.
Variant type: single nucleotide variant.
Coding change: c.988C>T on transcript NM_031310.3 (MANE Select); coding-DNA position 988, C replaced by T.
Protein change: p.Gln330Ter; replaces glutamine 330 with a stop codon.
Molecular consequence: nonsense.
Genome position (GRCh38, 1-based): chr19:17,365,477, G>A on the plus strand (C>T on the coding strand, the complement: PLVAP is on the minus strand). VCF-style: chr19-17365477-G-A. GRCh37 (hg19) VCF-style: chr19-17476286-G-A.
Other names: short protein forms Q330*.
Identifiers: ClinVar variation 590327 (VCV000590327.3), dbSNP rs199712527, ClinGen allele CA404673545.
Genomic context (GRCh38, chr19:17,365,477, plus strand): 5'-CCTCCAGCGCTAGCTGGGTCTGCCGGGAGCATTCAGCTTGGAGCTTGGCCTCCCGGGCCT[G>A]AGCCTCCTTCTCCACCTTCTGTTTCGCCTCCTGACTGGCCCGCAGGCCCTGCTGGGCTTC-3'

ClinVar aggregate classification (germline): Pathogenic. Review status: criteria provided, single submitter (1 of 4 stars). 2 submissions from 2 submitters: Pathogenic (1). 1 of the submissions does not count toward it. Last evaluated 2025-02-13.

Conditions:
Diarrhea 10, protein-losing enteropathy type. Identifiers: MedGen C4748579, MONDO:0032586, OMIM 618183.

gnomAD v4.1: 1 of 1,612,682 alleles (0.000062%); no homozygotes.

Submissions (2):

Labcorp Genetics (formerly Invitae), Labcorp
Classification: Pathogenic. Last evaluated: 2025-02-13. Review status: criteria provided, single submitter. Criteria: Invitae Variant Classification Sherloc (09022015). Collection method: clinical testing. Allele origin: germline.
Comment: This sequence change creates a premature translational stop signal (p.Gln330*) in the PLVAP gene. It is expected to result in an absent or disrupted protein product. Loss-of-function variants in PLVAP are known to be pathogenic (PMID: 26207260, 29661969). This variant is not present in population databases (gnomAD no frequency). This premature translational stop signal has been observed in individual(s) with protein-losing enteropathy (PMID: 29661969). ClinVar contains an entry for this variant (Variation ID: 590327). For these reasons, this variant has been classified as Pathogenic.

OMIM
Classification: Pathogenic for DIARRHEA 10, PROTEIN-LOSING ENTEROPATHY TYPE. Last evaluated: 2018-11-20. Review status: no assertion criteria provided. Collection method: literature only. Allele origin: germline. Not counted in ClinVar's aggregate classification.

Literature cited by the submitters: PubMed 26207260 (cited by Labcorp Genetics (formerly Invitae), Labcorp); PubMed 29661969 (cited by Labcorp Genetics (formerly Invitae), Labcorp and OMIM).